The following is an entry in ClinVar:

ClinVar aggregate classification (germline): Pathogenic. Review status: criteria provided, multiple submitters, no conflicts (2 of 4 stars). 3 submissions from 3 submitters: Pathogenic (3). Last evaluated 2026-07-23.

Conditions:
Hereditary cancer-predisposing syndrome. Also called: Hereditary Cancer Syndrome; Tumor predisposition; Hereditary neoplastic syndrome; Neoplastic Syndromes, Hereditary. Identifiers: Orphanet 140162, MedGen C0027672, MeSH D009386, MONDO:0015356.
Familial adenomatous polyposis 1 (FAP1). Also called: FAMILIAL ADENOMATOUS POLYPOSIS 1, ATTENUATED; POLYPOSIS, ADENOMATOUS INTESTINAL. Identifiers: MedGen C2713442, MONDO:0021056, OMIM 175100. Disease mechanism: loss of function.

Submissions (3):

Ambry Genetics
Classification: Pathogenic for Hereditary cancer-predisposing syndrome. Last evaluated: 2026-07-23. Review status: criteria provided, single submitter. Criteria: Ambry Variant Classification Scheme 2023. Collection method: clinical testing. Allele origin: germline.
Comment: The c.1854_1869del16 pathogenic mutation, located in coding exon 14 of the APC gene, results from a deletion of 16 nucleotides at nucleotide positions 1854 to 1869, causing a translational frameshift with a predicted alternate stop codon (p.T619Afs*6). This variant was reported in individual(s) with features consistent with APC-related familial adenomatous polyposis (Ambry internal data). This variant is considered to be rare based on population cohorts in the Genome Aggregation Database (gnomAD). This alteration is expected to result in loss of function by premature protein truncation or nonsense-mediated mRNA decay. As such, this alteration is interpreted as a disease-causing mutation.

Myriad Genetics, Inc.
Classification: Pathogenic for Familial adenomatous polyposis 1. Last evaluated: 2023-05-03. Review status: criteria provided, single submitter. Criteria: Myriad Autosomal Dominant, Autosomal Recessive and X-Linked Classification Criteria (2023). Collection method: clinical testing. Allele origin: unknown.
Comment: This variant is considered pathogenic. This variant creates a frameshift predicted to result in premature protein truncation.

GeneDx
Classification: Pathogenic. Last evaluated: 2017-06-29. Review status: criteria provided, single submitter. Criteria: GeneDx Variant Classification (06012015). Collection method: clinical testing. Allele origin: germline. Affected: yes.
Comment: This deletion of 16 nucleotides in APC is denoted c.1854_1869del16 at the cDNA level and p.Thr619AlafsX6 (T619AfsX6) at the protein level. The surrounding sequence is TTGG[del16]AGCC. The deletion causes a frameshift which changes a Threonine to an Alanine at codon 619, and creates a premature stop codon at position 6 of the new reading frame. This variant is predicted to cause loss of normal protein function through either protein truncation or nonsense-mediated mRNA decay. APC c.1854_1869del16 has been reported in association with familial adenomatous polyposis (FAP) and/or attenuated FAP (Su 2000). We consider this variant to be pathogenic.

NM_000038.6(APC):c.1854_1869del (p.Thr619fs)

Gene: APC (APC regulator of Wnt signaling pathway; plus strand). Cytogenetic location: 5q22.2.
Variant type: Deletion.
Coding change: c.1854_1869del on transcript NM_000038.6 (MANE Select); coding-DNA positions 1854 to 1869, 16 bases deleted (CACTCTTACTTACCGG).
Protein change: p.Thr619fs; shifts the reading frame from threonine 619.
Molecular consequence: frameshift variant.
Genome position (GRCh38, 1-based): chr5:112,835,061-112,835,076, CACTCTTACTTACCGG deleted; deleting any 16 consecutive bases within chr5:112,835,059-112,835,076 gives the same sequence; the c. name uses the placement nearest the transcript's 3' end. VCF-style (leftmost placement, unchanged base first): chr5-112835058-TGGCACTCTTACTTACC-T. GRCh37 (hg19) VCF-style: chr5-112170755-TGGCACTCTTACTTACC-T.
Other names: c.1854_1869del, p.Thr619fs (NM_001127510.3, NM_001354895.2); c.1800_1815del, p.Thr601fs (NM_001127511.3); c.1908_1923del, p.Thr637fs (NM_001354896.2); c.1884_1899del, p.Thr629fs (NM_001354897.2); c.1779_1794del, p.Thr594fs (NM_001354898.2); c.1770_1785del, p.Thr591fs (NM_001354899.2); c.1731_1746del, p.Thr578fs (NM_001354900.2); c.1677_1692del, p.Thr560fs (NM_001354901.2); and 5 more; short protein forms T518fs, T578fs, T619fs, T336fs, T493fs, T560fs, T594fs, T601fs.
Identifiers: ClinVar variation 545736 (VCV000545736.5), dbSNP rs1554083164, ClinGen allele CA658760587.